The following is an entry in ClinVar:

ClinVar aggregate classification (germline): Uncertain significance. Review status: criteria provided, multiple submitters, no conflicts (2 of 4 stars). 4 submissions from 4 submitters: Uncertain significance (4). Last evaluated 2026-09-02.

Conditions:
APC-related disorder. Also called: APC-related condition.
Familial adenomatous polyposis 1 (FAP1). Also called: POLYPOSIS, ADENOMATOUS INTESTINAL; FAMILIAL ADENOMATOUS POLYPOSIS 1, ATTENUATED. Identifiers: MedGen C2713442, MONDO:0021056, OMIM 175100. Disease mechanism: loss of function.
Hereditary cancer-predisposing syndrome. Also called: Neoplastic Syndromes, Hereditary; Hereditary Cancer Syndrome; Hereditary neoplastic syndrome; Tumor predisposition. Identifiers: Orphanet 140162, MedGen C0027672, MeSH D009386, MONDO:0015356.

Submissions (4):

Ambry Genetics
Classification: Uncertain significance for Hereditary cancer-predisposing syndrome. Last evaluated: 2026-09-02. Review status: criteria provided, single submitter. Criteria: Ambry Variant Classification Scheme 2023. Collection method: clinical testing. Allele origin: germline.

Color Diagnostics, LLC DBA Color Health
Classification: Uncertain significance for Hereditary cancer-predisposing syndrome. Last evaluated: 2025-12-16. Review status: criteria provided, single submitter. Criteria: ACMG Guidelines, 2015. Collection method: clinical testing. Allele origin: germline.
Comment: This missense variant replaces threonine with alanine at codon 934 of the APC protein. Computational prediction suggests that this variant may not impact protein structure and function. APC is defined as a gene for which primarily truncating variants are known to cause disease (ClinGen HCCP VCEP). To our knowledge, functional studies have not been reported for this variant. This variant has not been reported in individuals affected with APC-related disorders in the literature. This variant has not been identified in the general population by the Genome Aggregation Database (gnomAD). The available evidence is insufficient to determine the role of this variant in disease conclusively. Therefore, this variant is classified as a Variant of Uncertain Significance.

Labcorp Genetics (formerly Invitae), Labcorp
Classification: Uncertain significance for Familial adenomatous polyposis 1. Last evaluated: 2025-11-25. Review status: criteria provided, single submitter. Criteria: Invitae Variant Classification Sherloc (09022015). Collection method: clinical testing. Allele origin: germline.
Comment: This sequence change replaces threonine, which is neutral and polar, with alanine, which is neutral and non-polar, at codon 934 of the APC protein (p.Thr934Ala). This variant is not present in population databases (gnomAD no frequency). This variant has not been reported in the literature in individuals affected with APC-related conditions. ClinVar contains an entry for this variant (Variation ID: 631285). Invitae Evidence Modeling of protein sequence and biophysical properties (such as structural, functional, and spatial information, amino acid conservation, physicochemical variation, residue mobility, and thermodynamic stability) indicates that this missense variant is not expected to disrupt APC protein function with a negative predictive value of 95%. In summary, the available evidence is currently insufficient to determine the role of this variant in disease. Therefore, it has been classified as a Variant of Uncertain Significance.

PreventionGenetics, part of Exact Sciences
Classification: Uncertain significance for APC-related condition. Last evaluated: 2023-06-26. Review status: criteria provided, single submitter. Criteria: ACMG Guidelines, 2015. Collection method: clinical testing. Allele origin: germline.
Comment: The APC c.2800A>G variant is predicted to result in the amino acid substitution p.Thr934Ala. This variant has been reported in an invasive breast carcinoma specimen from The Cancer Genome Atlas (TCGA; Table S9, Yehia et al. 2018. PubMed ID: 29684080). This variant has not been reported in a large population database, indicating this variant is rare. It is interpreted as uncertain significance in ClinVar. At this time, the clinical significance of this variant is uncertain due to the absence of conclusive functional and genetic evidence.

NM_000038.6(APC):c.2800A>G (p.Thr934Ala)

Gene: APC (APC regulator of Wnt signaling pathway; plus strand). Cytogenetic location: 5q22.2.
Variant type: single nucleotide variant.
Coding change: c.2800A>G on transcript NM_000038.6 (MANE Select); coding-DNA position 2800, A replaced by G.
Protein change: p.Thr934Ala; replaces threonine 934 with alanine.
Molecular consequence: missense variant.
Genome position (GRCh38, 1-based): chr5:112,838,394, A>G. VCF-style: chr5-112838394-A-G. GRCh37 (hg19) VCF-style: chr5-112174091-A-G.
Other names: c.2800A>G, p.Thr934Ala (NM_001127510.3, NM_001354895.2); c.2746A>G, p.Thr916Ala (NM_001127511.3); c.2854A>G, p.Thr952Ala (NM_001354896.2); c.2830A>G, p.Thr944Ala (NM_001354897.2); c.2725A>G, p.Thr909Ala (NM_001354898.2); c.2716A>G, p.Thr906Ala (NM_001354899.2); c.2677A>G, p.Thr893Ala (NM_001354900.2); c.2623A>G, p.Thr875Ala (NM_001354901.2); and 5 more; short protein forms T916A, T934A, T808A, T833A, T906A, T909A, T843A, T944A.
Identifiers: ClinVar variation 631285 (VCV000631285.20), dbSNP rs1561579733, ClinGen allele CA16027437.